The following is an entry in ClinVar:

NM_005045.4(RELN):c.5005A>C (p.Ser1669Arg)

Gene: RELN (reelin; minus strand). Cytogenetic location: 7q22.1.
Variant type: single nucleotide variant.
Coding change: c.5005A>C on transcript NM_005045.4 (MANE Select); coding-DNA position 5005, A replaced by C.
Protein change: p.Ser1669Arg; replaces serine 1669 with arginine.
Molecular consequence: missense variant.
Genome position (GRCh38, 1-based): chr7:103,565,483, T>G on the plus strand (A>C on the coding strand, the complement: RELN is on the minus strand). VCF-style: chr7-103565483-T-G. GRCh37 (hg19) VCF-style: chr7-103205930-T-G.
Other names: c.5005A>C, p.Ser1669Arg (NM_173054.3); short protein forms S1669R.
Identifiers: ClinVar variation 542571 (VCV000542571.14), dbSNP rs1481028795, ClinGen allele CA368746528.

ClinVar aggregate classification (germline): Uncertain significance. Review status: criteria provided, multiple submitters, no conflicts (2 of 4 stars). 3 submissions from 3 submitters: Uncertain significance (3). Last evaluated 2025-03-19.

Conditions:
Familial temporal lobe epilepsy 7. Identifiers: Orphanet 101046, MedGen C4225327, MONDO:0014639, OMIM 616436.
Norman-Roberts syndrome (LIS2). Also called: Lissencephaly 2 (Norman-Roberts type). Identifiers: Orphanet 89844, MedGen C0796089, MONDO:0009760, OMIM 257320.
Inborn genetic diseases. Identifiers: MedGen C0950123, MeSH D030342.

Allele frequency attached by ClinVar (database versions not stated): gnomAD exomes 0.00001; gnomAD 0.00002; TOPMed 0.00003.
gnomAD v4.1: 10 of 1,613,786 alleles (0.00062%); highest among the groups gnomAD compares: Non-Finnish European, 0.00085%; no homozygotes.

Submissions (3):

Labcorp Genetics (formerly Invitae), Labcorp
Classification: Uncertain significance for Familial temporal lobe epilepsy 7; Norman-Roberts syndrome. Last evaluated: 2025-03-19. Review status: criteria provided, single submitter. Criteria: Invitae Variant Classification Sherloc (09022015). Collection method: clinical testing. Allele origin: germline.
Comment: This sequence change replaces serine, which is neutral and polar, with arginine, which is basic and polar, at codon 1669 of the RELN protein (p.Ser1669Arg). This variant is not present in population databases (gnomAD no frequency). This variant has not been reported in the literature in individuals affected with RELN-related conditions. ClinVar contains an entry for this variant (Variation ID: 542571). Invitae Evidence Modeling of protein sequence and biophysical properties (such as structural, functional, and spatial information, amino acid conservation, physicochemical variation, residue mobility, and thermodynamic stability) indicates that this missense variant is not expected to disrupt RELN protein function with a negative predictive value of 80%. In summary, the available evidence is currently insufficient to determine the role of this variant in disease. Therefore, it has been classified as a Variant of Uncertain Significance.

Ambry Genetics
Classification: Uncertain significance for Inborn genetic diseases. Last evaluated: 2022-11-18. Review status: criteria provided, single submitter. Criteria: Ambry Variant Classification Scheme 2023. Collection method: clinical testing. Allele origin: germline.

Revvity Omics, Revvity
Classification: Uncertain significance for Norman-Roberts syndrome. Last evaluated: 2022-06-27. Review status: criteria provided, single submitter. Criteria: ACMG Guidelines, 2015. Collection method: clinical testing. Allele origin: germline.